The following is an entry in ClinVar:

NM_152703.5(SAMD9L):c.4298T>C (p.Leu1433Pro)

Gene: SAMD9L (sterile alpha motif domain containing 9 like; minus strand). Cytogenetic location: 7q21.2.
Variant type: single nucleotide variant.
Coding change: c.4298T>C on transcript NM_152703.5 (MANE Select); coding-DNA position 4298, T replaced by C.
Protein change: p.Leu1433Pro; replaces leucine 1433 with proline.
Molecular consequence: missense variant.
Genome position (GRCh38, 1-based): chr7:93,131,674, A>G on the plus strand (T>C on the coding strand, the complement: SAMD9L is on the minus strand). VCF-style: chr7-93131674-A-G. GRCh37 (hg19) VCF-style: chr7-92760987-A-G.
Other names: c.4298T>C (NM_152703.3, NM_152703.2); c.4298T>C, p.Leu1433Pro (NM_001303496.3, NM_001303497.3, NM_001303498.3 and 5 more transcripts); short protein forms L1433P.
Identifiers: ClinVar variation 1519066 (VCV001519066.14), dbSNP rs146611034, ClinGen allele CA4343328.

ClinVar aggregate classification (germline): Conflicting classifications of pathogenicity. Review status: criteria provided, conflicting classifications (1 of 4 stars). 7 submissions from 6 submitters: Uncertain significance (5); Likely benign (1). 1 of the submissions does not count toward it. Last evaluated 2025-06-10.

Conditions:
Ataxia-pancytopenia syndrome (ATXPC). Also called: SAMD9L Ataxia-Pancytopenia Syndrome; SAMD9L-Related Syndrome. Identifiers: Orphanet 2585, MedGen C1327919, MONDO:0008038, OMIM 159550.
Inborn genetic diseases. Identifiers: MedGen C0950123, MeSH D030342.
SAMD9L-related disorder. Also called: SAMD9L-related disorders; SAMD9L-related condition.
Monosomy 7 myelodysplasia and leukemia syndrome 1. Also called: Familial Mosaic Monosomy 7 Syndrome; Monosomy 7 of bone marrow; CHROMOSOME 7q DELETION. Identifiers: MedGen C1854978, MONDO:0009646, OMIM 252270.

Allele frequency attached by ClinVar (database versions not stated): ExAC 0.00002; gnomAD exomes 0.00002 and 0.00004; ESP Exome Variant Server 0.00008; TOPMed 0.00012; gnomAD 0.00013 and 0.00015.
gnomAD v4.1: 45 of 1,613,826 alleles (0.0028%); highest among the groups gnomAD compares: African/African-American, 0.056%; no homozygotes.

Submissions (7):

Ambry Genetics
Classification: Likely benign for Inborn genetic diseases. Last evaluated: 2025-06-10. Review status: criteria provided, single submitter. Criteria: Ambry Variant Classification Scheme 2023. Collection method: clinical testing. Allele origin: germline.

Labcorp Genetics (formerly Invitae), Labcorp
Classification: Uncertain significance. Last evaluated: 2024-11-30. Review status: criteria provided, single submitter. Criteria: Invitae Variant Classification Sherloc (09022015). Collection method: clinical testing. Allele origin: germline.
Comment: This sequence change replaces leucine, which is neutral and non-polar, with proline, which is neutral and non-polar, at codon 1433 of the SAMD9L protein (p.Leu1433Pro). This variant is present in population databases (rs146611034, gnomAD 0.05%), and has an allele count higher than expected for a pathogenic variant. This variant has not been reported in the literature in individuals affected with SAMD9L-related conditions. ClinVar contains an entry for this variant (Variation ID: 1519066). Invitae Evidence Modeling of protein sequence and biophysical properties (such as structural, functional, and spatial information, amino acid conservation, physicochemical variation, residue mobility, and thermodynamic stability) indicates that this missense variant is expected to disrupt SAMD9L protein function with a positive predictive value of 80%. In summary, the available evidence is currently insufficient to determine the role of this variant in disease. Therefore, it has been classified as a Variant of Uncertain Significance.

St. Jude Molecular Pathology, St. Jude Children's Research Hospital
Classification: Uncertain significance for Ataxia-pancytopenia syndrome. Last evaluated: 2024-05-08. Review status: criteria provided, single submitter. Criteria: St. Jude Assertion Criteria 2020. Collection method: clinical testing. Allele origin: germline.
Comment: The SAMD9L c.4298T>C (p.Leu1433Pro) missense change has a maximum subpopulation frequency of 0.056% in gnomAD v2.1.1. The in silico tool REVEL is inconclusive about a pathogenic or benign effect of this variant on protein function, and functional studies have not been performed. In silico predictions have not been found to correlate with syndromic risk and are not considered supporting evidence of a pathogenic or benign effect (PMID: 34621053). This variant has not been reported in individuals with ataxia-pancytopenia syndrome or monosomy 7 myelodysplasia and leukemia syndrome. In summary, the evidence currently available is insufficient to determine the clinical significance of this variant. It has therefore been classified as of uncertain significance.

GeneDx
Classification: Uncertain significance. Last evaluated: 2024-04-16. Review status: criteria provided, single submitter. Criteria: GeneDx Variant Classification Process June 2021. Collection method: clinical testing. Allele origin: germline. Affected: yes.
Comment: In silico analysis supports that this missense variant has a deleterious effect on protein structure/function; Has not been previously published as pathogenic or benign to our knowledge

St. Jude Molecular Pathology, St. Jude Children's Research Hospital
Classification: Uncertain significance for Monosomy 7 myelodysplasia and leukemia syndrome 1. Last evaluated: 2023-04-24. Review status: criteria provided, single submitter. Criteria: St. Jude Assertion Criteria 2020. Collection method: clinical testing. Allele origin: germline.
Comment: The SAMD9L c.4298T>C (p.Leu1433Pro) missense change has a maximum subpopulation frequency of 0.056% in gnomAD v2.1.1. The in silico tool REVEL is inconclusive about a pathogenic or benign effect of this variant on protein function, and to our knowledge functional studies have not been performed. In silico predictions have not been found to correlate with syndromic risk and are not considered supporting evidence of a pathogenic or benign effect (PMID: 34621053). To our knowledge, this variant has not been reported in individuals with ataxia-pancytopenia syndrome or monosomy 7 myelodysplasia and leukemia syndrome. In summary, the evidence currently available is insufficient to determine the clinical significance of this variant. It has therefore been classified as of uncertain significance.

Blueprint Genetics
Classification: Uncertain significance. Last evaluated: 2019-12-04. Review status: criteria provided, single submitter. Criteria: ACMG Guidelines, 2015. Collection method: clinical testing. Allele origin: germline.

PreventionGenetics, part of Exact Sciences
Classification: Likely benign for SAMD9L-related condition. Last evaluated: 2022-06-28. Review status: no assertion criteria provided. Collection method: clinical testing. Allele origin: germline. Not counted in ClinVar's aggregate classification.
Comment: This variant is classified as likely benign based on ACMG/AMP sequence variant interpretation guidelines (Richards et al. 2015 PMID: 25741868, with internal and published modifications).